The following is an entry in ClinVar:

ClinVar aggregate classification (germline): Likely benign (1 of 4 stars; one submission).

Submission:

CeGaT Center for Human Genetics Tuebingen
Classification: Likely benign. Last evaluated: 2026-09-01. Review status: criteria provided, single submitter. Criteria: CeGaT Center For Human Genetics Tuebingen Variant Classification Criteria Version 2. Collection method: clinical testing. Allele origin: germline. Affected: yes. Observed: 5 variant alleles.
Comment: KLF18: BP4, BP7

NM_001358438.1(KLF18):c.2385G>A (p.Gly795=)

Gene: KLF18 (KLF transcription factor 18; minus strand). Cytogenetic location: 1p34.1.
Variant type: single nucleotide variant.
Coding change: c.2385G>A on transcript NM_001358438.1 (MANE Select); coding-DNA position 2385, G replaced by A.
Protein change: p.Gly795=; no amino-acid change (glycine 795 retained).
Molecular consequence: synonymous variant.
Genome position (GRCh38, 1-based): chr1:44,139,247, C>T on the plus strand (G>A on the coding strand, the complement: KLF18 is on the minus strand). VCF-style: chr1-44139247-C-T. GRCh37 (hg19) VCF-style: chr1-44604919-C-T.
Identifiers: ClinVar variation 3067367 (VCV003067367.21), dbSNP rs1291913363, ClinGen allele CA522687917.